The following is an entry in ClinVar:

ClinVar aggregate classification (germline): Benign (1 of 4 stars; one submission).

Conditions:
Ellis-van Creveld syndrome (EVC). Also called: EVC-Related Ellis-van Creveld Syndrome; EVC2-Related Ellis-van Creveld Syndrome; MESOECTODERMAL DYSPLASIA; Chondroectodermal dysplasia. Identifiers: Orphanet 289, MedGen C0013903, MONDO:0009162, OMIM 225500.

Allele frequency attached by ClinVar (database versions not stated): gnomAD exomes 0.00528; 1000 Genomes Project 0.03155; 1000 Genomes Project 30x 0.03420; TOPMed 0.03514; gnomAD 0.03711 and 0.03897.
gnomAD v4.1: 4,418 of 121,444 alleles (3.6%); highest among the groups gnomAD compares: Middle Eastern, 12%; 155 homozygotes.

Submission:

Illumina Laboratory Services, Illumina
Classification: Benign for Ellis-van Creveld syndrome. Last evaluated: 2018-01-13. Review status: criteria provided, single submitter. Criteria: ICSL Variant Classification Criteria 13 December 2019. Collection method: clinical testing. Allele origin: germline.
Comment: This variant was observed in the ICSL laboratory as part of a predisposition screen in an ostensibly healthy population. It had not been previously curated by ICSL or reported in the Human Gene Mutation Database (HGMD: prior to June 1st, 2018), and was therefore a candidate for classification through an automated scoring system. Utilizing variant allele frequency, disease prevalence and penetrance estimates, and inheritance mode, an automated score was calculated to assess if this variant is too frequent to cause the disease. Based on the score and internal cut-off values, a variant classified as benign is not then subjected to further curation. The score for this variant resulted in a classification of benign for this disease.

NM_153717.3(EVC):c.*908G>A

Gene: EVC (EvC ciliary complex subunit 1; plus strand). Cytogenetic location: 4p16.2.
Variant type: single nucleotide variant.
Coding change: c.*908G>A on transcript NM_153717.3 (MANE Select); 908 bases downstream of the stop codon, G replaced by A.
Molecular consequence: 3 prime UTR variant.
Genome position (GRCh38, 1-based): chr4:5,811,945, G>A. VCF-style: chr4-5811945-G-A. GRCh37 (hg19) VCF-style: chr4-5813672-G-A.
Other names: c.*908G>A (NM_001306090.2).
Identifiers: ClinVar variation 349234 (VCV000349234.5), dbSNP rs13119698, ClinGen allele CA10621396.